The following is an entry in ClinVar:

NM_000018.4(ACADVL):c.1873C>T (p.Pro625Ser)

Gene: ACADVL (acyl-CoA dehydrogenase very long chain; plus strand). Cytogenetic location: 17p13.1.
Variant type: single nucleotide variant.
Coding change: c.1873C>T on transcript NM_000018.4 (MANE Select); coding-DNA position 1873, C replaced by T.
Protein change: p.Pro625Ser; replaces proline 625 with serine.
Molecular consequence: missense variant.
Genome position (GRCh38, 1-based): chr17:7,225,002, C>T. VCF-style: chr17-7225002-C-T. GRCh37 (hg19) VCF-style: chr17-7128321-C-T.
Other names: c.1807C>T, p.Pro603Ser (NM_001033859.3); c.1942C>T, p.Pro648Ser (NM_001270447.2); c.1645C>T, p.Pro549Ser (NM_001270448.2); short protein forms P648S, P625S, P549S, P603S.
Identifiers: ClinVar variation 1348328 (VCV001348328.3), dbSNP rs377044444, ClinGen allele CA8338303.

ClinVar aggregate classification (germline): Uncertain significance (1 of 4 stars; one submission).

Conditions:
Very long chain acyl-CoA dehydrogenase deficiency (ACADVLD). Also called: VLCAD Deficiency; Very Long-Chain Acyl-Coenzyme A Dehydrogenase Deficiency. Identifiers: Orphanet 26793, MedGen C3887523, MONDO:0008723, OMIM 201475.

gnomAD v4.1: 5 of 1,614,110 alleles (0.00031%); highest among the groups gnomAD compares: Non-Finnish European, 0.00034%; no homozygotes.

Submission:

Labcorp Genetics (formerly Invitae), Labcorp
Classification: Uncertain significance for Very long chain acyl-CoA dehydrogenase deficiency. Last evaluated: 2021-10-27. Review status: criteria provided, single submitter. Criteria: Invitae Variant Classification Sherloc (09022015). Collection method: clinical testing. Allele origin: germline.
Comment: This sequence change replaces proline, a(n) neutral and non-polar amino acid, with serine, a(n) neutral and polar amino acid, at codon 625 of the ACADVL protein (p.Pro625Ser). This variant is present in population databases (rs377044444, gnomAD 0.004%). This variant has not been reported in the literature in individuals affected with ACADVL-related conditions. Algorithms developed to predict the effect of missense changes on protein structure and function (SIFT, PolyPhen-2, Align-GVGD) all suggest that this variant is likely to be tolerated. In summary, the available evidence is currently insufficient to determine the role of this variant in disease. Therefore, it has been classified as a Variant of Uncertain Significance.